The following is an entry in ClinVar:

NM_012470.4(TNPO3):c.1920+1G>A

Gene: TNPO3 (transportin 3; minus strand). Cytogenetic location: 7q32.1.
Variant type: single nucleotide variant.
Coding change: c.1920+1G>A on transcript NM_012470.4 (MANE Select); the canonical splice donor site of the intron after coding-DNA position 1920, G replaced by A.
Molecular consequence: splice donor variant.
Genome position (GRCh38, 1-based): chr7:128,979,970, C>T on the plus strand (G>A on the coding strand, the complement: TNPO3 is on the minus strand). VCF-style: chr7-128979970-C-T. GRCh37 (hg19) VCF-style: chr7-128620024-C-T.
Other names: c.1776+1G>A (NM_001382221.1); c.1773+1G>A (NM_001382222.1); c.1812+1G>A (NM_001382219.1); c.1728+1G>A (NM_001382223.1, NM_001191028.3); c.1920+1G>A (NM_001382220.1, NM_001382218.1); c.2022+1G>A (NM_001382216.1); c.2001+1G>A (NM_001382217.1).
Identifiers: ClinVar variation 987299 (VCV000987299.3), dbSNP rs1799463371, ClinGen allele CA369222171.

ClinVar aggregate classification (germline): Likely pathogenic. Review status: criteria provided, multiple submitters, no conflicts (2 of 4 stars). 2 submissions from 2 submitters: Likely pathogenic (2). Last evaluated 2026-08-06.

Conditions:
Autosomal dominant limb-girdle muscular dystrophy type 1F (LGMDD2). Also called: Limb-girdle muscular dystrophy, type 1F; MUSCULAR DYSTROPHY, LIMB-GIRDLE, AUTOSOMAL DOMINANT 2. Identifiers: Orphanet 55595, MedGen C1842062, MONDO:0012034, OMIM 608423.

Allele frequency attached by ClinVar (database versions not stated): gnomAD exomes below 0.00001.
gnomAD v4.1: 1 of 1,613,938 alleles (0.000062%); highest among the groups gnomAD compares: Non-Finnish European, 0.000085%; no homozygotes.

Submissions (2):

OLLIN Analises Genomicas, OLLIN
Classification: Likely pathogenic for Autosomal dominant limb-girdle muscular dystrophy type 1F. Last evaluated: 2026-08-06. Review status: criteria provided, single submitter. Criteria: ACMG Guidelines 2015 PMID 25741868. Collection method: clinical testing. Allele origin: germline.
Comment: This variant, located at the canonical splicing site (splice donor), has been reported in ClinVar (accession VCV000987299.2) and in gnomAD with an allele frequency of 0.000062%. However, to our knowledge, it has not been reported in the scientific literature. This variant is predicted to disrupt a canonical splice site, potentially leading to exon skipping, mRNA degradation via nonsense-mediated decay (NMD), or production of a truncated protein. According to the currently available evidence, this variant has been classified as likely pathogenic (PVS1, PM2_P).

Institute of Medical Genetics and Applied Genomics, University Hospital Tübingen
Classification: Likely pathogenic. Last evaluated: 2020-10-23. Review status: criteria provided, single submitter. Criteria: ACMG Guidelines, 2015. Collection method: clinical testing. Allele origin: germline. Inheritance: Autosomal dominant inheritance. Affected: yes.